The following is an entry in ClinVar:

NM_138694.4(PKHD1):c.4931G>A (p.Trp1644Ter)

Genes: PKHD1 (PKHD1 ciliary IPT domain containing fibrocystin/polyductin; minus strand), LOC126859690 (MED14-independent group 3 enhancer GRCh37_chr6:51888848-51890047; plus strand). Cytogenetic location: 6p12.2.
Variant type: single nucleotide variant.
Coding change: c.4931G>A on transcript NM_138694.4 (MANE Select); coding-DNA position 4931, G replaced by A.
Protein change: p.Trp1644Ter; replaces tryptophan 1644 with a stop codon.
Molecular consequence: nonsense.
Genome position (GRCh38, 1-based): chr6:52,024,879, C>T on the plus strand (G>A on the coding strand, the complement: PKHD1 is on the minus strand). VCF-style: chr6-52024879-C-T. GRCh37 (hg19) VCF-style: chr6-51889677-C-T.
Other names: c.4931G>A, p.Trp1644Ter (NM_170724.3); short protein forms W1644*.
Identifiers: ClinVar variation 4816682 (VCV004816682.1).

ClinVar aggregate classification (germline): Likely pathogenic (1 of 4 stars; one submission).

Conditions:
Autosomal recessive polycystic kidney disease (ARPKD). Also called: AR polycystic kidney disease. Identifiers: Orphanet 731, Orphanet 8378, MedGen C0085548, MeSH D017044, MONDO:0009889.

gnomAD v4.1: 1 of 1,614,134 alleles (0.000062%); no homozygotes.

Submission:

Natera, Inc.
Classification: Likely pathogenic for Autosomal recessive polycystic kidney disease. Last evaluated: 2025-07-21. Review status: criteria provided, single submitter. Criteria: Natera Variant Classification Schema (03/2026). Collection method: clinical testing. Allele origin: germline.
Comment: The c.4931G>A variant in PKHD1 is a nonsense variant predicted to introduce a stop codon at amino acid 1644. This variant is expected to result in nonsense mediated decay, truncation, or a dysfunctional protein product. This variant is rare in the general population with a frequency below the threshold expected for the associated phenotype(s). Given the available evidence, this variant is classified as Likely Pathogenic.